The following is an entry in ClinVar:

NM_000245.4(MET):c.4106T>C (p.Leu1369Ser)

Gene: MET (MET proto-oncogene, receptor tyrosine kinase; plus strand). Cytogenetic location: 7q31.2.
Variant type: single nucleotide variant.
Coding change: c.4106T>C on transcript NM_000245.4 (MANE Select); coding-DNA position 4106, T replaced by C.
Protein change: p.Leu1369Ser; replaces leucine 1369 with serine.
Molecular consequence: missense variant.
Genome position (GRCh38, 1-based): chr7:116,796,057, T>C. VCF-style: chr7-116796057-T-C. GRCh37 (hg19) VCF-style: chr7-116436111-T-C.
Other names: c.4160T>C, p.Leu1387Ser (NM_001127500.3); c.2816T>C, p.Leu939Ser (NM_001324402.2); short protein forms L1387S, L939S, L1369S.
Identifiers: ClinVar variation 4648118 (VCV004648118.1).

ClinVar aggregate classification (germline): Uncertain significance (1 of 4 stars; one submission).

Conditions:
Hereditary cancer-predisposing syndrome. Also called: Neoplastic Syndromes, Hereditary; Tumor predisposition; Hereditary Cancer Syndrome; Hereditary neoplastic syndrome. Identifiers: Orphanet 140162, MedGen C0027672, MeSH D009386, MONDO:0015356.

Submission:

Ambry Genetics
Classification: Uncertain significance for Hereditary cancer-predisposing syndrome. Last evaluated: 2025-11-15. Review status: criteria provided, single submitter. Criteria: Ambry Variant Classification Scheme 2023. Collection method: clinical testing. Allele origin: germline.
Comment: The p.L1387S variant (also known as c.4160T>C), located in coding exon 20 of the MET gene, results from a T to C substitution at nucleotide position 4160. The leucine at codon 1387 is replaced by serine, an amino acid with dissimilar properties. This amino acid position is conserved. In addition, the in silico prediction for this alteration is inconclusive. Based on the available evidence, the clinical significance of this variant remains unclear.